The following is an entry in ClinVar:

ClinVar aggregate classification (germline): Uncertain significance (1 of 4 stars; one submission).

gnomAD v4.1: 4 of 1,613,622 alleles (0.00025%); highest among the groups gnomAD compares: Admixed American, 0.0067%; no homozygotes.

Submission:

Quest Diagnostics Nichols Institute San Juan Capistrano
Classification: Uncertain significance. Last evaluated: 2025-02-27. Review status: criteria provided, single submitter. Criteria: Quest Diagnostics criteria. Collection method: clinical testing. Allele origin: unknown.
Comment: The VWF c.6567C>T (p.Val2189=) synonymous variant has not been reported in individuals with VWF-related conditions in the published literature. The frequency of this variant in the general population (Genome Aggregation Database) is uninformative in the assessment of its pathogenicity. Analysis of this variant using software algorithms for the prediction of the effect of nucleotide changes on splicing yielded predictions that this variant does not affect VWF mRNA splicing. Based on the available information, we are unable to determine the clinical significance of this variant.

NM_000552.5(VWF):c.6567C>T (p.Val2189=)

Gene: VWF (von Willebrand factor; minus strand). Cytogenetic location: 12p13.31.
Variant type: single nucleotide variant.
Coding change: c.6567C>T on transcript NM_000552.5 (MANE Select); coding-DNA position 6567, C replaced by T.
Protein change: p.Val2189=; no amino-acid change (valine 2189 retained).
Molecular consequence: synonymous variant.
Genome position (GRCh38, 1-based): chr12:5,993,893, G>A on the plus strand (C>T on the coding strand, the complement: VWF is on the minus strand). VCF-style: chr12-5993893-G-A. GRCh37 (hg19) VCF-style: chr12-6103059-G-A.
Identifiers: ClinVar variation 4533018 (VCV004533018.1).